The following is an entry in ClinVar:

ClinVar aggregate classification (germline): Pathogenic. Review status: reviewed by expert panel (3 of 4 stars). 26 submissions from 26 submitters: Pathogenic (1). 25 of the submissions do not count toward it. Last evaluated 2016-09-08.

Conditions:
BRCA1-related cancer predisposition. Identifiers: MedGen CN377757, MONDO:0700268.
BRCA1-related disorder. Also called: BRCA1-related condition.
Hereditary cancer-predisposing syndrome. Also called: Neoplastic Syndromes, Hereditary; Tumor predisposition; Hereditary Cancer Syndrome; Hereditary neoplastic syndrome. Identifiers: Orphanet 140162, MedGen C0027672, MeSH D009386, MONDO:0015356.
Hereditary breast ovarian cancer syndrome. Also called: Hereditary breast and/or ovarian cancer syndrome; Hereditary breast and ovarian cancer syndrome; Hereditary breast and ovarian cancer; Hereditary breast and ovarian cancer syndrome (HBOC); Breast and ovarian cancer; BRCA1- and BRCA2-Associated Hereditary Breast and Ovarian Cancer. Identifiers: Orphanet 145, MedGen C0677776, MeSH D061325, MONDO:0003582. Disease mechanism: loss of function.
Breast-ovarian cancer, familial, susceptibility to, 1 (BROVCA1). Also called: OVARIAN CANCER, SUSCEPTIBILITY TO; BRCA1 Hereditary Breast and Ovarian Cancer. Identifiers: Orphanet 145, MedGen C2676676, MONDO:0011450, OMIM 604370. Disease mechanism: loss of function.

Submissions 1 to 9 of 26:

Evidence-based Network for the Interpretation of Germline Mutant Alleles (ENIGMA)
Classification: Pathogenic for Breast-ovarian cancer, familial, susceptibility to, 1. Last evaluated: 2016-09-08. Review status: reviewed by expert panel. Criteria: ENIGMA BRCA1/2 Classification Criteria (2015). Collection method: curation. Allele origin: germline.
Comment: Variant allele predicted to encode a truncated non-functional protein.

CeGaT Center for Human Genetics Tuebingen
Classification: Pathogenic. Last evaluated: 2026-07-01. Review status: criteria provided, single submitter. Criteria: CeGaT Center For Human Genetics Tuebingen Variant Classification Criteria Version 2. Collection method: clinical testing. Allele origin: germline. Affected: yes. Observed: 1 variant allele. Not counted in ClinVar's aggregate classification.
Comment: BRCA1: PVS1, PS4, PM2

Variantyx, Inc.
Classification: Pathogenic for Breast-ovarian cancer, familial, susceptibility to, 1. Last evaluated: 2025-12-08. Review status: criteria provided, single submitter. Criteria: Variantyx Assertion Criteria 2022. Collection method: clinical testing. Allele origin: germline. Inheritance: Autosomal dominant inheritance. Not counted in ClinVar's aggregate classification.
Comment: This is a frameshift variant in the BRCA1 gene (OMIM: 113705). Pathogenic variants in this gene have been associated with autosomal dominant susceptibility to familial breast-ovarian cancer 1. This variant introduces a premature termination codon in exon 10 out of 23 and is expected to result in loss of function, which is a known disease mechanism for BRCA1 (PMID:11157798;20104584) (PVS1). This is an established founder variant in the Dutch population (PMID: 8807330, 9150151, 11597388, 17591843, 23199084) (PS4 ) that has been reported in numerous individuals with BRCA1- related cancer types (PMID:34981296;33471991;27767231;30972954, 31492746) with a 0.0011% maximum allele frequency in non-founder control populations (PM2). Based on the current evidence, this variant is classified as pathogenic for autosomal dominant susceptibility to familial breast-ovarian cancer 1.

Labcorp Genetics (formerly Invitae), Labcorp
Classification: Pathogenic for Hereditary breast ovarian cancer syndrome. Last evaluated: 2025-11-17. Review status: criteria provided, single submitter. Criteria: Invitae Variant Classification Sherloc (09022015). Collection method: clinical testing. Allele origin: germline. Not counted in ClinVar's aggregate classification.
Comment: This sequence change creates a premature translational stop signal (p.Pro897Lysfs*5) in the BRCA1 gene. It is expected to result in an absent or disrupted protein product. Loss-of-function variants in BRCA1 are known to be pathogenic (PMID: 20104584). This variant is present in population databases (rs80357636, gnomAD 0.003%). This premature translational stop signal has been observed in individual(s) with hereditary breast and ovarian cancer (PMID: 9150151, 11597388, 16683254, 19949876, 24285858, 27767231). It is commonly reported in individuals of Dutch ancestry (PMID: 9150151, 11597388, 16683254). This variant is also known as 2804delAA. ClinVar contains an entry for this variant (Variation ID: 54646). For these reasons, this variant has been classified as Pathogenic.

Ambry Genetics
Classification: Pathogenic for Hereditary cancer-predisposing syndrome. Last evaluated: 2024-11-11. Review status: criteria provided, single submitter. Criteria: Ambry Variant Classification Scheme 2023. Collection method: clinical testing. Allele origin: germline. Not counted in ClinVar's aggregate classification.
Comment: The c.2685_2686delAA pathogenic mutation, located in coding exon 9 of the BRCA1 gene, results from a deletion of two nucleotides at nucleotide positions 2685 to 2686, causing a translational frameshift with a predicted alternate stop codon (p.P897Kfs*5). This mutation has been reported in multiple hereditary breast and/or ovarian cancer families and has been reported as a Dutch founder mutation (Peelen T et al. Am. J. Hum. Genet., 1997 May;60:1041-9; Garvin AM et al. J Med Genet, 1997 Dec;34:990-5; Vehmanen P et al. Hum Mol Genet, 1997 Dec;6:2309-15; Verhoog LC et al. Eur J Cancer, 2001 Nov;37:2082-90; Piek JM et al. Fam Cancer, 2003;2:73-8; van der Hout AH et al. Hum Mutat, 2006 Jul;27:654-66; Vos JR et al. Cancer Epidemiol Biomarkers Prev, 2014 Nov;23:2482-91; Rebbeck TR et al. Hum Mutat, 2018 05;39:593-620; Haer-Wigman L et al. Eur J Hum Genet, 2019 02;27:325-330; Deng H et al. Mol Genet Genomic Med, 2019 06;7:e672). Of note, this alteration is also designated as 2804delAA and 2804_2805delAA in published literature. In addition to the clinical data presented in the literature, this alteration is expected to result in loss of function by premature protein truncation or nonsense-mediated mRNA decay. As such, this alteration is interpreted as a disease-causing mutation.

All of Us Research Program, National Institutes of Health
Classification: Pathogenic for BRCA1-related cancer predisposition. Last evaluated: 2024-07-10. Review status: criteria provided, single submitter. Criteria: ACMG Guidelines, 2015. Collection method: clinical testing. Allele origin: germline. Inheritance: Autosomal dominant inheritance. Observed: 1 variant allele, 1 heterozygote. Not counted in ClinVar's aggregate classification.
Comment: This variant deletes 2 nucleotides in exon 10 of the BRCA1 gene, creating a frameshift and premature translation stop signal. This variant is expected to result in an absent or non-functional protein product. To our knowledge, functional studies have not been reported for this variant. This variant has been reported in multiple individuals and families affected with breast, ovarian and fallopian tube cancer (PMID: 8807330, 9150151, 9361038, 9429140, 12354934, 14574155, 24285858) and has been reported as a Dutch founder mutation that is also common in Belgium (PMID: 9150151, 17591843, 23199084). This variant has been identified in 1/250904 chromosomes in the general population by the Genome Aggregation Database (gnomAD). Loss of BRCA1 function is a known mechanism of disease. Based on the available evidence, this variant is classified as Pathogenic.

This study involves interpretation of variants in research participants for the purpose of population health screening. Participant phenotype was not available at the time of variant classification. Additional details can be found in publication PMID: 35346344, PMCID: PMC8962531

Women's Health and Genetics/Laboratory Corporation of America, LabCorp
Classification: Pathogenic for Hereditary breast ovarian cancer syndrome. Last evaluated: 2024-07-09. Review status: criteria provided, single submitter. Criteria: LabCorp Variant Classification Summary - May 2015. Collection method: clinical testing. Allele origin: germline. Not counted in ClinVar's aggregate classification.
Comment: Variant summary: BRCA1 c.2685_2686delAA (p.Pro897LysfsX5) results in a premature termination codon, predicted to cause a truncation of the encoded protein or absence of the protein due to nonsense mediated decay, which are commonly known mechanisms for disease. The variant allele was found at a frequency of 4e-06 in 250904 control chromosomes. c.2685_2686delAA has been reported in the literature in multiple individuals affected with Hereditary Breast And Ovarian Cancer Syndrome and is prevalent in patients of Dutch origin (e.g. Peelen_1997, Jongsma_2002). These data indicate that the variant is very likely to be associated with disease. The following publications have been ascertained in the context of this evaluation (PMID: 12354934, 9150151). ClinVar contains an entry for this variant (Variation ID: 54646). Based on the evidence outlined above, the variant was classified as pathogenic.

Mayo Clinic Laboratories, Mayo Clinic
Classification: Pathogenic. Last evaluated: 2024-06-03. Review status: criteria provided, single submitter. Criteria: ACMG Guidelines, 2015. Collection method: clinical testing. Allele origin: germline. Observed: 1 variant allele. Not counted in ClinVar's aggregate classification.
Comment: PM5_strong, PVS1

Department of Clinical Genetics, Copenhagen University Hospital, Rigshospitalet
Classification: Pathogenic for Breast-ovarian cancer, familial, susceptibility to, 1. Last evaluated: 2024-05-27. Review status: criteria provided, single submitter. Criteria: ACMG Guidelines, 2015. Collection method: clinical testing. Allele origin: germline. Affected: yes. Not counted in ClinVar's aggregate classification.
Comment: PVS1; PM5_PTC_Strong

NM_007294.4(BRCA1):c.2685_2686del (p.Pro897fs)

Gene: BRCA1 (BRCA1 DNA repair associated; minus strand). Cytogenetic location: 17q21.31.
Variant type: Deletion.
Coding change: c.2685_2686del on transcript NM_007294.4 (MANE Select); coding-DNA positions 2685 to 2686, 2 bases deleted (AA; older notation c.2685_2686delAA).
Protein change: p.Pro897fs; shifts the reading frame from proline 897.
Molecular consequence: frameshift variant. On other transcripts: intron variant (137).
Genome position (GRCh38, 1-based): chr17:43,092,845-43,092,846, TT deleted on the plus strand (AA on the coding strand, the reverse complement: BRCA1 is on the minus strand); deleting any 2 consecutive bases within chr17:43,092,845-43,092,847 gives the same sequence; the c. name uses the placement nearest the transcript's 3' end. VCF-style (leftmost placement, unchanged base first): chr17-43092844-CTT-C. GRCh37 (hg19) VCF-style: chr17-41244861-CTT-C.
Other names: p.Pro897Lysfs*5; 2804delAA; c.2685_2686delAA (NM_007294.3); c.665-1814_665-1813del (NM_001408426.1, NM_001408436.1, NM_001408444.1 and 12 more transcripts); c.788-1814_788-1813del (NM_001407982.1, NM_001407970.1, NM_001407980.1 and 17 more transcripts); c.2685_2686del, p.Pro897fs (NM_001407581.1, NM_001407582.1, NM_001407583.1 and 30 more transcripts); c.2682_2683del, p.Pro896fs (NM_001407587.1, NM_001407590.1, NM_001407591.1 and 22 more transcripts); c.2676_2677del, p.Pro894fs (NM_001407646.1, NM_001407647.1); and 44 more; short protein forms P850fs, P897fs, P770fs, P829fs, P849fs, P870fs, P871fs, P894fs.
Identifiers: ClinVar variation 54646 (VCV000054646.36), dbSNP rs80357636, ClinGen allele CA001766.